The following is an entry in ClinVar:

NM_153240.5(NPHP3):c.895A>G (p.Thr299Ala)

Genes: NPHP3 (nephrocystin 3; minus strand), NPHP3-ACAD11 (NPHP3-ACAD11 readthrough (NMD candidate); minus strand). Cytogenetic location: 3q22.1.
Variant type: single nucleotide variant.
Coding change: c.895A>G on transcript NM_153240.5 (MANE Select); coding-DNA position 895, A replaced by G.
Protein change: p.Thr299Ala; replaces threonine 299 with alanine.
Molecular consequence: missense variant. On other transcripts: non-coding transcript variant (1).
Genome position (GRCh38, 1-based): chr3:132,715,147, T>C on the plus strand (A>G on the coding strand, the complement: NPHP3 is on the minus strand). VCF-style: chr3-132715147-T-C. GRCh37 (hg19) VCF-style: chr3-132433991-T-C.
Other names: short protein forms T299A.
Identifiers: ClinVar variation 1376387 (VCV001376387.6), dbSNP rs1306139800, ClinGen allele CA354586153.
Genomic context (GRCh38, chr3:132,715,147, plus strand): 5'-TAAGGAAAAGATCCATCTCAGGCTGGGTTTCATCTGTATAAATGAGGTAACATCTGACAG[T>C]GTTACTCCACAGAGAATGTGAAAACAGAGGAGTAACTTGTAATAAACTAGCTACAGCAAT-3'
Protein context (NP_694972.3, residues 289-309): PLFSHSLWSN[Thr299Ala]VRCYLIYTDE

ClinVar aggregate classification (germline): Uncertain significance (1 of 4 stars; one submission).

Conditions:
Nephronophthisis. Also called: Juvenile Nephronophthisis. Identifiers: Orphanet 655, MedGen C0687120, MONDO:0019005, HP:0000090.

Allele frequency attached by ClinVar (database versions not stated): TOPMed below 0.00001.

Submission:

Labcorp Genetics (formerly Invitae), Labcorp
Classification: Uncertain significance for Nephronophthisis. Last evaluated: 2021-10-08. Review status: criteria provided, single submitter. Criteria: Invitae Variant Classification Sherloc (09022015). Collection method: clinical testing. Allele origin: germline.
Comment: In summary, the available evidence is currently insufficient to determine the role of this variant in disease. Therefore, it has been classified as a Variant of Uncertain Significance. Algorithms developed to predict the effect of missense changes on protein structure and function output the following: SIFT: "Tolerated"; PolyPhen-2: "Benign"; Align-GVGD: "Class C0". The alanine amino acid residue is found in multiple mammalian species, which suggests that this missense change does not adversely affect protein function. This variant has not been reported in the literature in individuals affected with NPHP3-related conditions. This variant is not present in population databases (ExAC no frequency). This sequence change replaces threonine with alanine at codon 299 of the NPHP3 protein (p.Thr299Ala). The threonine residue is moderately conserved and there is a small physicochemical difference between threonine and alanine.